The following is an entry in ClinVar:

NM_000045.4(ARG1):c.432_448del (p.Val145fs)

Genes: ARG1 (arginase 1; plus strand), MED23 (mediator complex subunit 23; minus strand). Cytogenetic location: 6q23.2.
Variant type: Deletion.
Coding change: c.432_448del on transcript NM_000045.4 (MANE Select); coding-DNA positions 432 to 448, 17 bases deleted (TGTATCTTTCCTCCTGA).
Protein change: p.Val145fs; shifts the reading frame from valine 145.
Molecular consequence: frameshift variant. On other transcripts: non-coding transcript variant (1), intron variant (3).
Genome position (GRCh38, 1-based): chr6:131,581,345-131,581,361, TGTATCTTTCCTCCTGA deleted. VCF-style (leftmost placement, unchanged base first): chr6-131581344-CTGTATCTTTCCTCCTGA-C. GRCh37 (hg19) VCF-style: chr6-131902484-CTGTATCTTTCCTCCTGA-C.
Other names: c.456_472del, p.Val153fs (NM_001244438.2); c.306-1715_306-1699del (NM_001369020.1); c.4077+6348_4077+6364del (NM_001270521.2); c.4095+6348_4095+6364del (NM_015979.4); short protein forms V145fs, V153fs.
Identifiers: ClinVar variation 1726742 (VCV001726742.2), dbSNP rs2482369894, ClinGen allele CA2580075122.

ClinVar aggregate classification (germline): Likely pathogenic (1 of 4 stars; one submission).

Conditions:
Arginase deficiency. Also called: Arginase 1 Deficiency; ARGININEMIA; ARG1 DEFICIENCY. Identifiers: Orphanet 90, MedGen C0268548, MONDO:0008814, OMIM 207800.

Submission:

Myriad Genetics, Inc.
Classification: Likely pathogenic for Arginase deficiency. Last evaluated: 2021-12-31. Review status: criteria provided, single submitter. Criteria: Myriad Women's Health Autosomal Recessive and X-Linked Classification Criteria (2021). Collection method: clinical testing. Allele origin: unknown.
Comment: NM_000045.3(ARG1):c.432_448del17(V145Gfs*46) is expected to be pathogenic in the context of argininemia. This variant is predicted to lead to an abnormal or absent protein product due to the creation of a premature termination codon in ARG1, a gene where loss-of-function variants are known to be pathogenic. Please note: this variant was assessed in the context of healthy population screening.